The following is an entry in ClinVar:

NM_001173464.2(KIF21A):c.4536T>C (p.Thr1512=)

Gene: KIF21A (kinesin family member 21A; minus strand). Cytogenetic location: 12q12.
Variant type: single nucleotide variant.
Coding change: c.4536T>C on transcript NM_001173464.2 (MANE Select); coding-DNA position 4536, T replaced by C.
Protein change: p.Thr1512=; no amino-acid change (threonine 1512 retained).
Molecular consequence: synonymous variant.
Genome position (GRCh38, 1-based): chr12:39,304,845, A>G on the plus strand (T>C on the coding strand, the complement: KIF21A is on the minus strand). VCF-style: chr12-39304845-A-G. GRCh37 (hg19) VCF-style: chr12-39698647-A-G.
Other names: c.4425T>C, p.Thr1475= (NM_001173463.2); c.4377T>C, p.Thr1459= (NM_001173465.2); c.4497T>C, p.Thr1499= (NM_017641.4).
Identifiers: ClinVar variation 308549 (VCV000308549.9), dbSNP rs144103791, ClinGen allele CA6510153.
Genomic context (GRCh38, chr12:39,304,845, plus strand): 5'-TAGACAAATATAATTCAGAAAGTCTCTTATACATACTTTGATGTAATGATCCTTGGAGCC[A>G]GTGATGATTAGATCTTGTCCACTGGAAATCTGATCCACAGTAAGGCACATAACAGGGCCT-3'
Protein context (NP_001166935.1, residues 1502-1522): QISSGQDLII[Thr1512=]GSKDHYIKMF

ClinVar aggregate classification (germline): Benign. Review status: criteria provided, multiple submitters, no conflicts (2 of 4 stars). 2 submissions from 2 submitters: Benign (2). Last evaluated 2019-12-31.

Conditions:
Congenital fibrosis of extraocular muscles type 1. Also called: CFEOM3B; BLEPHAROPTOSIS WITH ABSENT EYE MOVEMENTS; OPHTHALMOPLEGIA, CONGENITAL; FEOM1 LOCUS. Identifiers: MedGen C1851102, MONDO:0021083, OMIM 135700.

Allele frequency attached by ClinVar (database versions not stated): gnomAD exomes 0.00056 and 0.00134; TOPMed 0.00079; 1000 Genomes Project 30x 0.00422; 1000 Genomes Project 0.00459; gnomAD 0.00042 and 0.00077; ExAC 0.00152.
gnomAD v4.1: 928 of 1,583,592 alleles (0.059%); highest among the groups gnomAD compares: East Asian, 1.6%; 8 homozygotes.

Submissions (2):

Labcorp Genetics (formerly Invitae), Labcorp
Classification: Benign. Last evaluated: 2019-12-31. Review status: criteria provided, single submitter. Criteria: Invitae Variant Classification Sherloc (09022015). Collection method: clinical testing. Allele origin: germline.

Illumina Laboratory Services, Illumina
Classification: Benign for Congenital fibrosis of extraocular muscles type 1. Last evaluated: 2018-01-13. Review status: criteria provided, single submitter. Criteria: ICSL Variant Classification Criteria 13 December 2019. Collection method: clinical testing. Allele origin: germline.
Comment: This variant was observed in the ICSL laboratory as part of a predisposition screen in an ostensibly healthy population. It had not been previously curated by ICSL or reported in the Human Gene Mutation Database (HGMD: prior to June 1st, 2018), and was therefore a candidate for classification through an automated scoring system. Utilizing variant allele frequency, disease prevalence and penetrance estimates, and inheritance mode, an automated score was calculated to assess if this variant is too frequent to cause the disease. Based on the score and internal cut-off values, a variant classified as benign is not then subjected to further curation. The score for this variant resulted in a classification of benign for this disease.